The following is an entry in ClinVar:

NM_001097642.3(GJB1):c.-16-513T>G

Gene: GJB1 (gap junction protein beta 1; plus strand). Cytogenetic location: Xq13.1.
Variant type: single nucleotide variant.
Coding change: c.-16-513T>G on transcript NM_001097642.3; 513 bases into the intron before 16 bases upstream of the start codon, T replaced by G.
Molecular consequence: intron variant.
Genome position (GRCh38, 1-based): chrX:71,223,179, T>G. VCF-style: chrX-71223179-T-G. GRCh37 (hg19) VCF-style: chrX-70443029-T-G.
Other names: -528T-G; c.-17+413T>G (NM_001440770.1).
Identifiers: ClinVar variation 10445 (VCV000010445.5), dbSNP rs1003232768, ClinGen allele CA2499226830.

ClinVar aggregate classification (germline): Uncertain significance. Review status: criteria provided, single submitter (1 of 4 stars). 2 submissions from 2 submitters: Uncertain significance (1). 1 of the submissions does not count toward it. Last evaluated 2024-06-13.

Conditions:
Charcot-Marie-Tooth Neuropathy X. Identifiers: MedGen CN118851.
Charcot-Marie-Tooth disease X-linked dominant 1. Also called: HEREDITARY MOTOR AND SENSORY NEUROPATHY, X-LINKED; HMSN, X-LINKED; CHARCOT-MARIE-TOOTH NEUROPATHY, X-LINKED, 1; CHARCOT-MARIE-TOOTH PERONEAL MUSCULAR ATROPHY, X-LINKED; Charcot-Marie-Tooth Neuropathy X Type 1; GJB1 Disorders: Charcot-Marie-Tooth Neuropathy (CMT1X) and Central Nervous System Phenotypes. Identifiers: Orphanet 101075, MedGen C0393808, MONDO:0010549, OMIM 302800.

Allele frequency attached by ClinVar (database versions not stated): gnomAD exomes 0.00002.
gnomAD v4.1: 1 of 155,870 alleles (0.00064%); highest among the groups gnomAD compares: Non-Finnish European, 0.0013%; no homozygotes.

Submissions (2):

Labcorp Genetics (formerly Invitae), Labcorp
Classification: Uncertain significance for Charcot-Marie-Tooth Neuropathy X. Last evaluated: 2024-06-13. Review status: criteria provided, single submitter. Criteria: Invitae Variant Classification Sherloc (09022015). Collection method: clinical testing. Allele origin: germline.
Comment: This variant occurs in a non-coding region of the GJB1 gene. It does not change the encoded amino acid sequence of the GJB1 protein. The frequency data for this variant in the population databases is considered unreliable, as metrics indicate insufficient coverage at this position in the gnomAD database. This variant has been observed in individual(s) with X-linked Charcot-Marie-Tooth disease (PMID: 8757034). This variant is also known as c.-173T>G. Algorithms developed to predict the effect of variants on gene product structure and function are not available or were not evaluated for this variant. Experimental studies have shown that this variant affects GJB1 function (PMID: 11734543). This variant disrupts the c.-529 nucleotide in the GJB1 gene. Other variant(s) that disrupt this nucleotide have been determined to be pathogenic (Invitae). This suggests that this nucleotide is clinically significant, and that variants that disrupt this position are likely to be disease-causing. In summary, the available evidence is currently insufficient to determine the role of this variant in disease. Therefore, it has been classified as a Variant of Uncertain Significance.

OMIM
Classification: Pathogenic for CHARCOT-MARIE-TOOTH DISEASE, X-LINKED DOMINANT, 1. Last evaluated: 2001-11-15. Review status: no assertion criteria provided. Collection method: literature only. Allele origin: germline. Not counted in ClinVar's aggregate classification.

Literature cited by the submitters: PubMed 8757034 (cited by Labcorp Genetics (formerly Invitae), Labcorp and OMIM); PubMed 11734543 (cited by Labcorp Genetics (formerly Invitae), Labcorp and OMIM).